The following is an entry in ClinVar:

ClinVar aggregate classification (germline): Uncertain significance (1 of 4 stars; one submission).

gnomAD v4.1: 2 of 1,189,436 alleles (0.00017%); highest among the groups gnomAD compares: Admixed American, 0.0023%; no homozygotes.

Submission:

Labcorp Genetics (formerly Invitae), Labcorp
Classification: Uncertain significance. Last evaluated: 2025-04-02. Review status: criteria provided, single submitter. Criteria: Invitae Variant Classification Sherloc (09022015). Collection method: clinical testing. Allele origin: germline.
Comment: This sequence change falls in intron 1 of the POLA1 gene. It does not directly change the encoded amino acid sequence of the POLA1 protein. It affects a nucleotide within the consensus splice site. This variant is present in population databases (no rsID available, gnomAD 0.004%). This variant has not been reported in the literature in individuals affected with POLA1-related conditions. Variants that disrupt the consensus splice site are a relatively common cause of aberrant splicing (PMID: 17576681, 9536098). Algorithms developed to predict the effect of sequence changes on RNA splicing suggest that this variant is not likely to affect RNA splicing. In summary, the available evidence is currently insufficient to determine the role of this variant in disease. Therefore, it has been classified as a Variant of Uncertain Significance.

Literature cited by the submitters: PubMed 17576681; PubMed 9536098.

NM_001330360.2(POLA1):c.31A>T (p.Ile11Leu)

Gene: POLA1 (DNA polymerase alpha 1, catalytic subunit; plus strand). Cytogenetic location: Xp22.11.
Variant type: single nucleotide variant.
Coding change: c.31A>T on transcript NM_001330360.2 (MANE Select); coding-DNA position 31, A replaced by T.
Protein change: p.Ile11Leu; replaces isoleucine 11 with leucine.
Molecular consequence: missense variant. On other transcripts: non-coding transcript variant (2), intron variant (1).
Genome position (GRCh38, 1-based): chrX:24,693,992, A>T. VCF-style: chrX-24693992-A-T. GRCh37 (hg19) VCF-style: chrX-24712109-A-T.
Other names: c.31A>T, p.Ile11Leu (NM_001378303.1, NM_001440806.1); c.25+6A>T (NM_016937.4); short protein forms I11L.
Identifiers: ClinVar variation 4691661 (VCV004691661.1).